The following is an entry in ClinVar:

ClinVar aggregate classification (germline): Benign. Review status: criteria provided, multiple submitters, no conflicts (2 of 4 stars). 10 submissions from 10 submitters: Benign (8). 2 of the submissions do not count toward it. Last evaluated 2026-02-04.

Conditions:
Fraser syndrome 1 (FRASRS1). Also called: CRYPTOPHTHALMOS WITH OTHER MALFORMATIONS. Identifiers: Orphanet 2052, MedGen C4551480, MONDO:0054737, OMIM 219000.

Allele frequency attached by ClinVar (database versions not stated): 1000 Genomes Project 30x 0.57761; 1000 Genomes Project 0.57947; TOPMed 0.66098; gnomAD 0.66711 and 0.67410; gnomAD exomes 0.67600 and 0.71219; ExAC 0.68286; ESP Exome Variant Server 0.68558.
gnomAD v4.1: 1,130,310 of 1,599,366 alleles (71%); highest among the groups gnomAD compares: Non-Finnish European, 74%; 405,000 homozygotes.

Submissions (10):

Labcorp Genetics (formerly Invitae), Labcorp
Classification: Benign. Last evaluated: 2026-02-04. Review status: criteria provided, single submitter. Criteria: Invitae Variant Classification Sherloc (09022015). Collection method: clinical testing. Allele origin: germline.

Blueprint Genetics
Classification: Benign. Last evaluated: 2024-11-26. Review status: criteria provided, single submitter. Criteria: ACMG Guidelines, 2015. Collection method: clinical testing. Allele origin: germline.

Mayo Clinic Laboratories, Mayo Clinic
Classification: Benign. Last evaluated: 2022-03-09. Review status: criteria provided, single submitter. Criteria: ACMG Guidelines, 2015. Collection method: clinical testing. Allele origin: germline. Observed: 68 variant alleles.

Genome-Nilou Lab
Classification: Benign for Fraser syndrome 1. Last evaluated: 2021-08-10. Review status: criteria provided, single submitter. Criteria: ACMG Guidelines, 2015. Collection method: clinical testing. Allele origin: germline. Affected: no.

Illumina Laboratory Services, Illumina
Classification: Benign for Fraser syndrome 1. Last evaluated: 2018-01-13. Review status: criteria provided, single submitter. Criteria: ICSL Variant Classification Criteria 13 December 2019. Collection method: clinical testing. Allele origin: germline.
Comment: This variant was observed in the ICSL laboratory as part of a predisposition screen in an ostensibly healthy population. It had not been previously curated by ICSL or reported in the Human Gene Mutation Database (HGMD: prior to June 1st, 2018), and was therefore a candidate for classification through an automated scoring system. Utilizing variant allele frequency, disease prevalence and penetrance estimates, and inheritance mode, an automated score was calculated to assess if this variant is too frequent to cause the disease. Based on the score and internal cut-off values, a variant classified as benign is not then subjected to further curation. The score for this variant resulted in a classification of benign for this disease.

Eurofins Ntd Llc (ga)
Classification: Benign. Last evaluated: 2015-10-15. Review status: criteria provided, single submitter. Criteria: EGL Classification Definitions 2015. Collection method: clinical testing. Allele origin: germline. Observed: 3 variant alleles, 2 heterozygotes, 1 homozygote.

Breakthrough Genomics
Classification: Benign. Review status: criteria provided, single submitter. Criteria: ACMG Guidelines, 2015. Collection method: not provided. Allele origin: germline. Inheritance: Autosomal recessive inheritance. Affected: yes.

PreventionGenetics, part of Exact Sciences
Classification: Benign. Review status: criteria provided, single submitter. Criteria: ACMG Guidelines, 2015. Collection method: clinical testing. Allele origin: germline.

Diagnostic Laboratory, Department of Genetics, University Medical Center Groningen
Classification: Benign for Fraser syndrome 1. Review status: no assertion criteria provided. Collection method: clinical testing. Allele origin: germline. Affected: yes. Study: VKGL Data-share Consensus. Not counted in ClinVar's aggregate classification.

Genome Diagnostics Laboratory, University Medical Center Utrecht
Classification: Benign. Review status: no assertion criteria provided. Collection method: clinical testing. Allele origin: germline. Affected: yes. Study: VKGL Data-share Consensus. Not counted in ClinVar's aggregate classification.

NM_025074.7(FRAS1):c.6468C>T (p.His2156=)

Gene: FRAS1 (Fraser extracellular matrix complex subunit 1; plus strand). Cytogenetic location: 4q21.21.
Variant type: single nucleotide variant.
Coding change: c.6468C>T on transcript NM_025074.7 (MANE Select); coding-DNA position 6468, C replaced by T.
Protein change: p.His2156=; no amino-acid change (histidine 2156 retained).
Molecular consequence: synonymous variant.
Genome position (GRCh38, 1-based): chr4:78,451,776, C>T. VCF-style: chr4-78451776-C-T. GRCh37 (hg19) VCF-style: chr4-79372930-C-T.
Other names: p.His2156=.
Identifiers: ClinVar variation 197552 (VCV000197552.22), dbSNP rs753752, ClinGen allele CA202954.